The following is an entry in ClinVar:

ClinVar aggregate classification (germline): Uncertain significance. Review status: criteria provided, multiple submitters, no conflicts (2 of 4 stars). 5 submissions from 5 submitters: Uncertain significance (5). Last evaluated 2025-01-15.

Conditions:
Brody myopathy. Also called: BRODY DISEASE. Identifiers: Orphanet 53347, MedGen C1832918, MONDO:0010977, OMIM 601003.

Allele frequency attached by ClinVar (database versions not stated): ExAC 0.00002; gnomAD 0.00002; gnomAD exomes 0.00002; TOPMed 0.00003.
gnomAD v4.1: 92 of 1,440,056 alleles (0.0064%); highest among the groups gnomAD compares: Non-Finnish European, 0.0082%; no homozygotes.

Submissions (5):

Revvity Omics, Revvity
Classification: Uncertain significance for Brody myopathy. Last evaluated: 2025-01-15. Review status: criteria provided, single submitter. Criteria: ACMG Guidelines, 2015. Collection method: clinical testing. Allele origin: germline.

Mayo Clinic Laboratories, Mayo Clinic
Classification: Uncertain significance. Last evaluated: 2024-08-19. Review status: criteria provided, single submitter. Criteria: ACMG Guidelines, 2015. Collection method: clinical testing. Allele origin: germline. Observed: 1 variant allele.
Comment: PP3, PM2

Labcorp Genetics (formerly Invitae), Labcorp
Classification: Uncertain significance for Brody myopathy. Last evaluated: 2022-08-31. Review status: criteria provided, single submitter. Criteria: Invitae Variant Classification Sherloc (09022015). Collection method: clinical testing. Allele origin: germline.
Comment: This sequence change replaces arginine, which is basic and polar, with histidine, which is basic and polar, at codon 324 of the ATP2A1 protein (p.Arg324His). This variant is present in population databases (rs751166692, gnomAD 0.006%). This variant has not been reported in the literature in individuals affected with ATP2A1-related conditions. ClinVar contains an entry for this variant (Variation ID: 653110). Algorithms developed to predict the effect of missense changes on protein structure and function are either unavailable or do not agree on the potential impact of this missense change (SIFT: "Deleterious"; PolyPhen-2: "Probably Damaging"; Align-GVGD: "Class C0"). In summary, the available evidence is currently insufficient to determine the role of this variant in disease. Therefore, it has been classified as a Variant of Uncertain Significance.

Women's Health and Genetics/Laboratory Corporation of America, LabCorp
Classification: Uncertain significance. Last evaluated: 2022-05-02. Review status: criteria provided, single submitter. Criteria: LabCorp Variant Classification Summary - May 2015. Collection method: clinical testing. Allele origin: germline.
Comment: Variant summary: ATP2A1 c.971G>A (p.Arg324His) results in a non-conservative amino acid change in the encoded protein sequence. Five of five in-silico tools predict a damaging effect of the variant on protein function. The variant allele was found at a frequency of 2e-05 in 251436 control chromosomes (gnomAD). The available data on variant occurrences in the general population are insufficient to allow any conclusion about variant significance. To our knowledge, no occurrence of c.971G>A in individuals affected with Brody Myopathy and no experimental evidence demonstrating its impact on protein function have been reported. Two ClinVar submitters have assessed the variant since 2014: both have classified the variant as of uncertain significance. Based on the evidence outlined above, the variant was classified as uncertain significance.

Athena Diagnostics
Classification: Uncertain significance. Last evaluated: 2019-10-29. Review status: criteria provided, single submitter. Criteria: Athena Diagnostics Criteria. Collection method: clinical testing. Allele origin: unknown.

NM_004320.6(ATP2A1):c.971G>A (p.Arg324His)

Gene: ATP2A1 (ATPase sarcoplasmic/endoplasmic reticulum Ca2+ transporting 1; plus strand). Cytogenetic location: 16p11.2.
Variant type: single nucleotide variant.
Coding change: c.971G>A on transcript NM_004320.6 (MANE Select); coding-DNA position 971, G replaced by A.
Protein change: p.Arg324His; replaces arginine 324 with histidine.
Molecular consequence: missense variant.
Genome position (GRCh38, 1-based): chr16:28,888,829, G>A. VCF-style: chr16-28888829-G-A. GRCh37 (hg19) VCF-style: chr16-28900150-G-A.
Other names: p.Arg324His; c.596G>A, p.Arg199His (NM_001286075.2); c.971G>A, p.Arg324His (NM_173201.5); c.971G>A (NM_173201.4); short protein forms R199H, R324H.
Identifiers: ClinVar variation 653110 (VCV000653110.15), dbSNP rs751166692, ClinGen allele CA7986808.